The following is an entry in ClinVar:

ClinVar aggregate classification (germline): Conflicting classifications of pathogenicity. Review status: criteria provided, conflicting classifications (1 of 4 stars). 4 submissions from 4 submitters: Likely pathogenic (3); Uncertain significance (1). Last evaluated 2025-04-28.

Conditions:
Sotos syndrome (SOTOS). Also called: Distinctive facial appearance, overgrowth in childhood, and learning disabilities or delayed development; CEREBRAL GIGANTISM; Sotos' syndrome; CHROMOSOME 5q35 DELETION SYNDROME; SOTOS SYNDROME 1. Identifiers: Orphanet 821, MedGen C0175695, MONDO:0019349, OMIM 117550.
NSD1-related disorder. Also called: NSD1-related condition.

Submissions (4):

PreventionGenetics, part of Exact Sciences
Classification: Likely pathogenic for NSD1-related condition. Last evaluated: 2025-04-28. Review status: criteria provided, single submitter. Criteria: ACMG Guidelines, 2015. Collection method: clinical testing. Allele origin: germline.
Comment: The NSD1 c.6500G>A variant is predicted to result in the amino acid substitution p.Cys2167Tyr. To our knowledge, this variant has not been reported in the literature or in a large population database (gnomAD), indicating this variant is rare. An alternate amino acid change at this position (p.Cys2167Arg) has been reported in a patient with Sotos syndrome and has been demonstrated experimentally to affect function (Kurotaki et al. 2003. PubMed ID: 14517949; referred to as Cys4Arg for its position in the PHD6 domain, Figures 4 and 5, Pasillas et al. 2011. PubMed ID: 21972110). This variant is interpreted as likely pathogenic.

Labcorp Genetics (formerly Invitae), Labcorp
Classification: Uncertain significance. Last evaluated: 2021-08-26. Review status: criteria provided, single submitter. Criteria: Invitae Variant Classification Sherloc (09022015). Collection method: clinical testing. Allele origin: germline.

Genome-Nilou Lab
Classification: Likely pathogenic for Sotos syndrome. Last evaluated: 2021-07-15. Review status: criteria provided, single submitter. Criteria: ACMG Guidelines, 2015. Collection method: clinical testing. Allele origin: germline. Affected: no.

Genetic Services Laboratory, University of Chicago
Classification: Likely pathogenic for Sotos syndrome 1. Last evaluated: 2013-02-08. Review status: criteria provided, single submitter. Criteria: ACMG Guidelines, 2007. Collection method: clinical testing. Allele origin: germline. Inheritance: Autosomal dominant inheritance. Affected: yes.

NM_022455.5(NSD1):c.6500G>A (p.Cys2167Tyr)

Gene: NSD1 (nuclear receptor binding SET domain protein 1; plus strand). Cytogenetic location: 5q35.3.
Variant type: single nucleotide variant.
Coding change: c.6500G>A on transcript NM_022455.5 (MANE Select); coding-DNA position 6500, G replaced by A.
Protein change: p.Cys2167Tyr; replaces cysteine 2167 with tyrosine.
Molecular consequence: missense variant.
Genome position (GRCh38, 1-based): chr5:177,293,868, G>A. VCF-style: chr5-177293868-G-A. GRCh37 (hg19) VCF-style: chr5-176720869-G-A.
Other names: c.5627G>A, p.Cys1876Tyr (NM_001365684.2, NM_001409308.1, NM_172349.5); c.6500G>A, p.Cys2167Tyr (NM_001409301.1, NM_001409302.1, NM_001409303.1); c.6080G>A, p.Cys2027Tyr (NM_001409304.1); c.5747G>A, p.Cys1916Tyr (NM_001409305.1); c.5738G>A, p.Cys1913Tyr (NM_001409306.1, NM_001409307.1); c.5378G>A, p.Cys1793Tyr (NM_001409309.1); short protein forms C2167Y, C1898Y, C1793Y, C1916Y, C2027Y, C1876Y, C1913Y.
Identifiers: ClinVar variation 159427 (VCV000159427.15), dbSNP rs587784205, ClinGen allele CA295092.
Genomic context (GRCh38, chr5:177,293,868, plus strand): 5'-TTTGATTTACTTCTGTGTTTTCAGGGAAATGGGAATGTCCGTGGCATCAGTGTGACATCT[G>A]CGGGAAGGAAGCAGCCTCCTTCTGTGAGATGTGCCCCAGCTCCTTTTGTAAGCAGCATCG-3'
Protein context (NP_071900.2, residues 2157-2177): WECPWHQCDI[Cys2167Tyr]GKEAASFCEM